The following is an entry in ClinVar:

ClinVar aggregate classification (germline): Uncertain significance (1 of 4 stars; one submission).

Conditions:
Left ventricular noncompaction 8 (LVNC8). Identifiers: Orphanet 154, Orphanet 54260, MedGen C3809288, MONDO:0014152, OMIM 615373.

Submission:

Labcorp Genetics (formerly Invitae), Labcorp
Classification: Uncertain significance for Left ventricular noncompaction 8. Last evaluated: 2022-11-22. Review status: criteria provided, single submitter. Criteria: Invitae Variant Classification Sherloc (09022015). Collection method: clinical testing. Allele origin: germline.
Comment: This variant has not been reported in the literature in individuals affected with PRDM16-related conditions. ClinVar contains an entry for this variant (Variation ID: 1472702). In summary, the available evidence is currently insufficient to determine the role of this variant in disease. Therefore, it has been classified as a Variant of Uncertain Significance. Algorithms developed to predict the effect of missense changes on protein structure and function (SIFT, PolyPhen-2, Align-GVGD) all suggest that this variant is likely to be tolerated. This variant is not present in population databases (gnomAD no frequency). This sequence change replaces arginine, which is basic and polar, with serine, which is neutral and polar, at codon 945 of the PRDM16 protein (p.Arg945Ser).

NM_022114.4(PRDM16):c.2835G>T (p.Arg945Ser)

Gene: PRDM16 (PR/SET domain 16; plus strand). Cytogenetic location: 1p36.32.
Variant type: single nucleotide variant.
Coding change: c.2835G>T on transcript NM_022114.4 (MANE Select); coding-DNA position 2835, G replaced by T.
Protein change: p.Arg945Ser; replaces arginine 945 with serine.
Molecular consequence: missense variant.
Genome position (GRCh38, 1-based): chr1:3,417,971, G>T. VCF-style: chr1-3417971-G-T. GRCh37 (hg19) VCF-style: chr1-3334535-G-T.
Other names: c.2835G>T, p.Arg945Ser (NM_199454.3); short protein forms R945S.
Identifiers: ClinVar variation 1472702 (VCV001472702.6), dbSNP rs2100676273, ClinGen allele CA338001598.